The following is an entry in ClinVar:

NM_004360.5(CDH1):c.1181C>A (p.Thr394Asn)

Gene: CDH1 (cadherin 1; plus strand). Cytogenetic location: 16q22.1.
Variant type: single nucleotide variant.
Coding change: c.1181C>A on transcript NM_004360.5 (MANE Select); coding-DNA position 1181, C replaced by A.
Protein change: p.Thr394Asn; replaces threonine 394 with asparagine.
Molecular consequence: missense variant. On other transcripts: 5 prime UTR variant (2), intron variant (1).
Genome position (GRCh38, 1-based): chr16:68,813,356, C>A. VCF-style: chr16-68813356-C-A. GRCh37 (hg19) VCF-style: chr16-68847259-C-A.
Other names: c.-435C>A (NM_001317185.2); c.-639C>A (NM_001317186.2); c.1137+1093C>A (NM_001317184.2); c.1181C>A (NM_004360.3); short protein forms T394N.
Identifiers: ClinVar variation 620594 (VCV000620594.7), dbSNP rs1332444039, ClinGen allele CA396461199.

ClinVar aggregate classification (germline): Conflicting classifications of pathogenicity. Review status: criteria provided, conflicting classifications (1 of 4 stars). 4 submissions from 4 submitters: Uncertain significance (3); Likely benign (1). Last evaluated 2026-04-03.

Conditions:
Hereditary diffuse gastric adenocarcinoma (HDGC). Also called: DIFFUSE GASTRIC AND LOBULAR BREAST CANCER SYNDROME. Identifiers: Orphanet 26106, MedGen C1708349, MONDO:0007648, OMIM 137215.
Hereditary cancer-predisposing syndrome. Also called: Tumor predisposition; Hereditary Cancer Syndrome; Neoplastic Syndromes, Hereditary; Hereditary neoplastic syndrome. Identifiers: Orphanet 140162, MedGen C0027672, MeSH D009386, MONDO:0015356.

Allele frequency attached by ClinVar (database versions not stated): TOPMed below 0.00001.

Submissions (4):

Ambry Genetics
Classification: Likely benign for Hereditary cancer-predisposing syndrome. Last evaluated: 2026-04-03. Review status: criteria provided, single submitter. Criteria: Ambry Variant Classification Scheme 2023. Collection method: clinical testing. Allele origin: germline.

Labcorp Genetics (formerly Invitae), Labcorp
Classification: Uncertain significance for Hereditary diffuse gastric adenocarcinoma. Last evaluated: 2025-08-17. Review status: criteria provided, single submitter. Criteria: Invitae Variant Classification Sherloc (09022015). Collection method: clinical testing. Allele origin: germline.
Comment: This sequence change replaces threonine, which is neutral and polar, with asparagine, which is neutral and polar, at codon 394 of the CDH1 protein (p.Thr394Asn). This variant is not present in population databases (gnomAD no frequency). This variant has not been reported in the literature in individuals affected with CDH1-related conditions. ClinVar contains an entry for this variant (Variation ID: 620594). An algorithm developed to predict the effect of missense changes on protein structure and function (PolyPhen-2) suggests that this variant is likely to be tolerated. In summary, the available evidence is currently insufficient to determine the role of this variant in disease. Therefore, it has been classified as a Variant of Uncertain Significance.

GeneDx
Classification: Uncertain significance. Last evaluated: 2025-05-20. Review status: criteria provided, single submitter. Criteria: GeneDx Variant Classification Process June 2021. Collection method: clinical testing. Allele origin: germline. Affected: yes.
Comment: Not observed at significant frequency in large population cohorts (gnomAD); In silico analysis suggests that this missense variant does not alter protein structure/function; Has not been previously published as pathogenic or benign to our knowledge; This variant is associated with the following publications: (PMID: 15235021, 22850631)

St. Jude Molecular Pathology, St. Jude Children's Research Hospital
Classification: Uncertain significance for Hereditary diffuse gastric adenocarcinoma. Last evaluated: 2020-09-11. Review status: criteria provided, single submitter. Criteria: St. Jude Assertion Criteria 2020. Collection method: clinical testing. Allele origin: germline.